The following is an entry in ClinVar:

NM_033026.6(PCLO):c.2017A>G (p.Ser673Gly)

Gene: PCLO (piccolo presynaptic cytomatrix protein; minus strand). Cytogenetic location: 7q21.11.
Variant type: single nucleotide variant.
Coding change: c.2017A>G on transcript NM_033026.6 (MANE Select); coding-DNA position 2017, A replaced by G.
Protein change: p.Ser673Gly; replaces serine 673 with glycine.
Molecular consequence: missense variant.
Genome position (GRCh38, 1-based): chr7:83,135,533, T>C on the plus strand (A>G on the coding strand, the complement: PCLO is on the minus strand). VCF-style: chr7-83135533-T-C. GRCh37 (hg19) VCF-style: chr7-82764849-T-C.
Other names: c.2017A>G, p.Ser673Gly (NM_014510.3); short protein forms S673G.
Identifiers: ClinVar variation 1415840 (VCV001415840.5), dbSNP rs752380342, ClinGen allele CA4321327.

ClinVar aggregate classification (germline): Uncertain significance (1 of 4 stars; one submission).

Allele frequency attached by ClinVar (database versions not stated): gnomAD exomes 0.00001 and 0.00002; ExAC 0.00002.
gnomAD v4.1: 7 of 1,613,738 alleles (0.00043%); highest among the groups gnomAD compares: Admixed American, 0.01%; no homozygotes.

Submission:

Labcorp Genetics (formerly Invitae), Labcorp
Classification: Uncertain significance. Last evaluated: 2022-07-11. Review status: criteria provided, single submitter. Criteria: Invitae Variant Classification Sherloc (09022015). Collection method: clinical testing. Allele origin: germline.
Comment: This sequence change replaces serine, which is neutral and polar, with glycine, which is neutral and non-polar, at codon 673 of the PCLO protein (p.Ser673Gly). This variant is present in population databases (rs752380342, gnomAD 0.02%). This variant has not been reported in the literature in individuals affected with PCLO-related conditions. ClinVar contains an entry for this variant (Variation ID: 1415840). Algorithms developed to predict the effect of missense changes on protein structure and function are either unavailable or do not agree on the potential impact of this missense change (SIFT: "Deleterious"; PolyPhen-2: "Not Available"; Align-GVGD: "Class C0"). In summary, the available evidence is currently insufficient to determine the role of this variant in disease. Therefore, it has been classified as a Variant of Uncertain Significance.